The following is an entry in ClinVar:

ClinVar aggregate classification (germline): Uncertain significance. Review status: criteria provided, multiple submitters, no conflicts (2 of 4 stars). 2 submissions from 2 submitters: Uncertain significance (2). Last evaluated 2025-01-31.

Conditions:
Inborn genetic diseases. Identifiers: MedGen C0950123, MeSH D030342.

Allele frequency attached by ClinVar (database versions not stated): TOPMed 0.00001.
gnomAD v4.1: 1 of 1,554,128 alleles (0.000064%); highest among the groups gnomAD compares: Non-Finnish European, 0.000087%; no homozygotes.

Submissions (2):

Labcorp Genetics (formerly Invitae), Labcorp
Classification: Uncertain significance. Last evaluated: 2025-01-31. Review status: criteria provided, single submitter. Criteria: Invitae Variant Classification Sherloc (09022015). Collection method: clinical testing. Allele origin: germline.
Comment: This sequence change replaces glycine, which is neutral and non-polar, with valine, which is neutral and non-polar, at codon 1086 of the RAI1 protein (p.Gly1086Val). This variant is not present in population databases (gnomAD no frequency). This variant has not been reported in the literature in individuals affected with RAI1-related conditions. ClinVar contains an entry for this variant (Variation ID: 2230221). Invitae Evidence Modeling of protein sequence and biophysical properties (such as structural, functional, and spatial information, amino acid conservation, physicochemical variation, residue mobility, and thermodynamic stability) indicates that this missense variant is not expected to disrupt RAI1 protein function with a negative predictive value of 80%. In summary, the available evidence is currently insufficient to determine the role of this variant in disease. Therefore, it has been classified as a Variant of Uncertain Significance.

Ambry Genetics
Classification: Uncertain significance for Inborn genetic diseases. Last evaluated: 2021-04-22. Review status: criteria provided, single submitter. Criteria: Ambry Variant Classification Scheme 2023. Collection method: clinical testing. Allele origin: germline.

NM_030665.4(RAI1):c.3257G>T (p.Gly1086Val)

Gene: RAI1 (retinoic acid induced 1; plus strand). Cytogenetic location: 17p11.2.
Variant type: single nucleotide variant.
Coding change: c.3257G>T on transcript NM_030665.4 (MANE Select); coding-DNA position 3257, G replaced by T.
Protein change: p.Gly1086Val; replaces glycine 1086 with valine.
Molecular consequence: missense variant.
Genome position (GRCh38, 1-based): chr17:17,796,205, G>T. VCF-style: chr17-17796205-G-T. GRCh37 (hg19) VCF-style: chr17-17699519-G-T.
Other names: short protein forms G1086V.
Identifiers: ClinVar variation 2230221 (VCV002230221.3), dbSNP rs1208279115, ClinGen allele CA398553212.